The following is an entry in ClinVar:

NM_031885.5(BBS2):c.109A>G (p.Thr37Ala)

Gene: BBS2 (Bardet-Biedl syndrome 2; minus strand). Cytogenetic location: 16q13.
Variant type: single nucleotide variant.
Coding change: c.109A>G on transcript NM_031885.5 (MANE Select); coding-DNA position 109, A replaced by G.
Protein change: p.Thr37Ala; replaces threonine 37 with alanine.
Molecular consequence: missense variant. On other transcripts: non-coding transcript variant (5).
Genome position (GRCh38, 1-based): chr16:56,519,754, T>C on the plus strand (A>G on the coding strand, the complement: BBS2 is on the minus strand). VCF-style: chr16-56519754-T-C. GRCh37 (hg19) VCF-style: chr16-56553666-T-C.
Other names: c.109A>G, p.Thr37Ala (NM_001377456.1); short protein forms T37A.
Identifiers: ClinVar variation 462957 (VCV000462957.8), dbSNP rs1284353332, ClinGen allele CA395987945.

ClinVar aggregate classification (germline): Uncertain significance (1 of 4 stars; one submission).

Conditions:
Bardet-Biedl syndrome (BBS). Identifiers: Orphanet 110, MedGen C0752166, MONDO:0015229.

Allele frequency attached by ClinVar (database versions not stated): gnomAD exomes below 0.00001.
gnomAD v4.1: 4 of 1,612,202 alleles (0.00025%); highest among the groups gnomAD compares: Non-Finnish European, 0.00025%; no homozygotes.

Submission:

Labcorp Genetics (formerly Invitae), Labcorp
Classification: Uncertain significance for Bardet-Biedl syndrome. Last evaluated: 2022-08-23. Review status: criteria provided, single submitter. Criteria: Invitae Variant Classification Sherloc (09022015). Collection method: clinical testing. Allele origin: germline.
Comment: This sequence change replaces threonine, which is neutral and polar, with alanine, which is neutral and non-polar, at codon 37 of the BBS2 protein (p.Thr37Ala). This variant is present in population databases (no rsID available, gnomAD no frequency). This variant has not been reported in the literature in individuals affected with BBS2-related conditions. ClinVar contains an entry for this variant (Variation ID: 462957). Algorithms developed to predict the effect of missense changes on protein structure and function output the following: SIFT: "Tolerated"; PolyPhen-2: "Benign"; Align-GVGD: "Class C0". The alanine amino acid residue is found in multiple mammalian species, which suggests that this missense change does not adversely affect protein function. In summary, the available evidence is currently insufficient to determine the role of this variant in disease. Therefore, it has been classified as a Variant of Uncertain Significance.